The following is an entry in ClinVar:

NM_033026.6(PCLO):c.11341C>T (p.Arg3781Ter)

Gene: PCLO (piccolo presynaptic cytomatrix protein; minus strand). Cytogenetic location: 7q21.11.
Variant type: single nucleotide variant.
Coding change: c.11341C>T on transcript NM_033026.6 (MANE Select); coding-DNA position 11341, C replaced by T.
Protein change: p.Arg3781Ter; replaces arginine 3781 with a stop codon.
Molecular consequence: nonsense.
Genome position (GRCh38, 1-based): chr7:82,916,645, G>A on the plus strand (C>T on the coding strand, the complement: PCLO is on the minus strand). VCF-style: chr7-82916645-G-A. GRCh37 (hg19) VCF-style: chr7-82545961-G-A.
Other names: c.11341C>T, p.Arg3781Ter (NM_014510.3); short protein forms R3781*.
Identifiers: ClinVar variation 2748416 (VCV002748416.3), dbSNP rs865939646, ClinGen allele CA161122033.

ClinVar aggregate classification (germline): Pathogenic (1 of 4 stars; one submission).

Submission:

Labcorp Genetics (formerly Invitae), Labcorp
Classification: Pathogenic. Last evaluated: 2024-06-03. Review status: criteria provided, single submitter. Criteria: Invitae Variant Classification Sherloc (09022015). Collection method: clinical testing. Allele origin: germline.
Comment: This sequence change creates a premature translational stop signal (p.Arg3781*) in the PCLO gene. It is expected to result in an absent or disrupted protein product. Loss-of-function variants in PCLO are known to be pathogenic (PMID: 25832664, 30287594). This variant is not present in population databases (gnomAD no frequency). This variant has not been reported in the literature in individuals affected with PCLO-related conditions. For these reasons, this variant has been classified as Pathogenic.

Literature cited by the submitters: PubMed 25832664; PubMed 30287594.